The following is an entry in ClinVar:

GRCh37/hg19 4q35.2(chr4:188450599-190190973)x1

Genes: TRIML1 (tripartite motif family like 1; plus strand), TRIML2 (tripartite motif family like 2; minus strand), ZFP42 (ZFP42 zinc finger protein; plus strand). Cytogenetic location: 4q35.2.
Variant type: copy number loss.
Change: copy number 1 (one copy instead of two) of chr4:188,450,599-190,190,973 (1.74 Mb, GRCh37 coordinates, 1-based), cytogenetic band 4q35.2.
Identifiers: ClinVar variation 1328454 (VCV001328454.4).

ClinVar aggregate classification (germline): Uncertain significance (1 of 4 stars; one submission).

Submission:

Illumina Laboratory Services, Illumina
Classification: Uncertain significance. Last evaluated: 2021-02-25. Review status: criteria provided, single submitter. Criteria: ICSL CNVClassificationCriteria Aug2020. Collection method: clinical testing. Allele origin: unknown.
Comment: This CNV is an inherited 1.7 Mb deletion of 4q35.2 on chromosome 4, (seq[GRCh37]del(4)(q35.2); chr4:g.188450599_190190973del). This CNV constitutes a loss encompassing three protein coding genes: TRIML1, TRIML2, and ZFP42. Patients with similar losses in this region have not been reported in the peer-reviewed literature. There are several patients with deletions in this region in the DECIPHER database who are noted to display overlapping phenotypic features, including intellectual disability, global developmental delay, and dysmorphic features, though there are at least two patients in this database with larger losses that fully encompass this CNV and are classified as likely benign (Firth et al. 2009). There are also several patients in a developmental delay case cohort with deletions in this region, along with at least one control individual who carries a larger loss that fully encompasses this CNV (Coe et al. 2014). Based on the available evidence, this CNV is classified as a variant of uncertain significance.

Literature cited by the submitters: PubMed 19344873; PubMed 25217958.